The following is an entry in ClinVar:

NM_032816.5(CEP89):c.920A>G (p.Gln307Arg)

Gene: CEP89 (centrosomal protein 89; minus strand). Cytogenetic location: 19q13.11.
Variant type: single nucleotide variant.
Coding change: c.920A>G on transcript NM_032816.5 (MANE Select); coding-DNA position 920, A replaced by G.
Protein change: p.Gln307Arg; replaces glutamine 307 with arginine.
Molecular consequence: missense variant.
Genome position (GRCh38, 1-based): chr19:32,931,538, T>C on the plus strand (A>G on the coding strand, the complement: CEP89 is on the minus strand). VCF-style: chr19-32931538-T-C. GRCh37 (hg19) VCF-style: chr19-33422444-T-C.
Other names: short protein forms Q307R.
Identifiers: ClinVar variation 4702824 (VCV004702824.1).

ClinVar aggregate classification (germline): Uncertain significance (1 of 4 stars; one submission).

Submission:

Labcorp Genetics (formerly Invitae), Labcorp
Classification: Uncertain significance. Last evaluated: 2026-02-02. Review status: criteria provided, single submitter. Criteria: Invitae Variant Classification Sherloc (09022015). Collection method: clinical testing. Allele origin: germline.
Comment: This sequence change replaces glutamine, which is neutral and polar, with arginine, which is basic and polar, at codon 307 of the CEP89 protein (p.Gln307Arg). This variant is not present in population databases (gnomAD no frequency). This variant has not been reported in the literature in individuals affected with CEP89-related conditions. An algorithm developed to predict the effect of missense changes on protein structure and function (PolyPhen-2) suggests that this variant is likely to be disruptive. In summary, the available evidence is currently insufficient to determine the role of this variant in disease. Therefore, it has been classified as a Variant of Uncertain Significance.